The following is an entry in ClinVar:

ClinVar aggregate classification (germline): Uncertain significance (1 of 4 stars; one submission).

Conditions:
Myofibrillar myopathy 5. Also called: Filaminopathy (type); FILAMINOPATHY, AUTOSOMAL DOMINANT. Identifiers: Orphanet 171445, MedGen C1836050, MONDO:0012289, OMIM 609524.
Hypertrophic cardiomyopathy 26. Also called: Cardiomyopathy, familial hypertrophic, 26. Identifiers: Orphanet 75249, MedGen C4310749, MONDO:0014883, OMIM 617047.
Distal myopathy with posterior leg and anterior hand involvement. Also called: WILLIAMS DISTAL MYOPATHY. Identifiers: Orphanet 63273, MedGen C3279722, MONDO:0013550, OMIM 614065.

Submission:

Labcorp Genetics (formerly Invitae), Labcorp
Classification: Uncertain significance for Distal myopathy with posterior leg and anterior hand involvement; Myofibrillar myopathy 5; Hypertrophic cardiomyopathy 26. Last evaluated: 2021-12-24. Review status: criteria provided, single submitter. Criteria: Invitae Variant Classification Sherloc (09022015). Collection method: clinical testing. Allele origin: germline.
Comment: This sequence change falls in intron 41 of the FLNC gene. It does not directly change the encoded amino acid sequence of the FLNC protein. This variant is not present in population databases (gnomAD no frequency). This variant has not been reported in the literature in individuals affected with FLNC-related conditions. Algorithms developed to predict the effect of sequence changes on RNA splicing suggest that this variant may disrupt the consensus splice site. In summary, the available evidence is currently insufficient to determine the role of this variant in disease. Therefore, it has been classified as a Variant of Uncertain Significance.

NM_001458.5(FLNC):c.6998-9T>A

Genes: FLNC-AS1 (FLNC antisense RNA 1; minus strand), FLNC (filamin C; plus strand). Cytogenetic location: 7q32.1.
Variant type: single nucleotide variant.
Coding change: c.6998-9T>A on transcript NM_001458.5 (MANE Select); 9 bases into the intron before coding-DNA position 6998, T replaced by A.
Molecular consequence: intron variant.
Genome position (GRCh38, 1-based): chr7:128,854,766, T>A. VCF-style: chr7-128854766-T-A. GRCh37 (hg19) VCF-style: chr7-128494820-T-A.
Other names: c.6899-9T>A (NM_001127487.2).
Identifiers: ClinVar variation 2058032 (VCV002058032.4), dbSNP rs2536665775, ClinGen allele CA2580076544.